The following is an entry in ClinVar:

NM_006346.4(PIBF1):c.157C>T (p.Arg53Ter)

Gene: PIBF1 (progesterone immunomodulatory binding factor 1; plus strand). Cytogenetic location: 13q21.33.
Variant type: single nucleotide variant.
Coding change: c.157C>T on transcript NM_006346.4 (MANE Select); coding-DNA position 157, C replaced by T.
Protein change: p.Arg53Ter; replaces arginine 53 with a stop codon.
Molecular consequence: nonsense. On other transcripts: non-coding transcript variant (2).
Genome position (GRCh38, 1-based): chr13:72,783,626, C>T. VCF-style: chr13-72783626-C-T. GRCh37 (hg19) VCF-style: chr13-73357764-C-T.
Other names: c.157C>T, p.Arg53Ter (NM_001349655.2); short protein forms R53*.
Identifiers: ClinVar variation 2920180 (VCV002920180.3), dbSNP rs756656568, ClinGen allele CA7001850.

ClinVar aggregate classification (germline): Pathogenic (1 of 4 stars; one submission).

Allele frequency attached by ClinVar (database versions not stated): ExAC 0.00001; gnomAD 0.00001; TOPMed 0.00004.
gnomAD v4.1: 19 of 1,613,770 alleles (0.0012%); highest among the groups gnomAD compares: Admixed American, 0.0017%; no homozygotes.

Submission:

Labcorp Genetics (formerly Invitae), Labcorp
Classification: Pathogenic. Last evaluated: 2024-01-24. Review status: criteria provided, single submitter. Criteria: Invitae Variant Classification Sherloc (09022015). Collection method: clinical testing. Allele origin: germline.
Comment: This sequence change creates a premature translational stop signal (p.Arg53*) in the PIBF1 gene. It is expected to result in an absent or disrupted protein product. Loss-of-function variants in PIBF1 are known to be pathogenic (PMID: 28688840, 33004012). This variant is present in population databases (rs756656568, gnomAD 0.0009%). This variant has not been reported in the literature in individuals affected with PIBF1-related conditions. For these reasons, this variant has been classified as Pathogenic.

Literature cited by the submitters: PubMed 28688840; PubMed 33004012.